The following is an entry in ClinVar:

ClinVar aggregate classification (germline): Likely benign (1 of 4 stars; one submission).

Allele frequency attached by ClinVar (database versions not stated): gnomAD 0.00970 and 0.01056; ExAC 0.00264; 1000 Genomes Project 0.00899; gnomAD exomes 0.00107.

Submission:

GeneDx
Classification: Likely benign. Last evaluated: 2018-06-12. Review status: criteria provided, single submitter. Criteria: GeneDx Variant Classification (06012015). Collection method: clinical testing. Allele origin: germline. Affected: yes.
Comment: This variant is considered likely benign or benign based on one or more of the following criteria: it is a conservative change, it occurs at a poorly conserved position in the protein, it is predicted to be benign by multiple in silico algorithms, and/or has population frequency not consistent with disease.

NM_000077.5(CDKN2A):c.150+221_150+226del

Gene: CDKN2A (cyclin dependent kinase inhibitor 2A; minus strand). Cytogenetic location: 9p21.3.
Variant type: Deletion.
Coding change: c.150+221_150+226del on transcript NM_000077.5 (MANE Select); bases 221 to 226 of the intron after coding-DNA position 150, 6 bases deleted (TCTCTC; older notation c.150+221_150+226delTCTCTC).
Molecular consequence: intron variant. On other transcripts: 3 prime UTR variant (1).
Genome position (GRCh38, 1-based): chr9:21,974,452-21,974,457, GAGAGA deleted on the plus strand (TCTCTC on the coding strand, the reverse complement: CDKN2A is on the minus strand). VCF-style (leftmost placement, unchanged base first): chr9-21974451-CGAGAGA-C. GRCh37 (hg19) VCF-style: chr9-21974450-CGAGAGA-C.
Other names: c.150+221_150+226delTCTCTC (NM_000077.4); c.*20_*25del (NM_058197.5); c.-3-3249_-3-3244del (NM_001363763.2); c.194-3249_194-3244del (NM_058195.4); c.150+221_150+226del (NM_001195132.2).
Identifiers: ClinVar variation 670048 (VCV000670048.1), dbSNP rs200504822, ClinGen allele CA5012245.